The following is an entry in ClinVar:

NM_001369.3(DNAH5):c.11859_11862del (p.Arg3953fs)

Gene: DNAH5 (dynein axonemal heavy chain 5; minus strand). Cytogenetic location: 5p15.2.
Variant type: Deletion.
Coding change: c.11859_11862del on transcript NM_001369.3 (MANE Select); coding-DNA positions 11859 to 11862, 4 bases deleted (ACAG; older notation c.11859_11862delACAG).
Protein change: p.Arg3953fs; shifts the reading frame from arginine 3953.
Molecular consequence: frameshift variant.
Genome position (GRCh38, 1-based): chr5:13,729,460-13,729,463, CTGT deleted on the plus strand (ACAG on the coding strand, the reverse complement: DNAH5 is on the minus strand); deleting any 4 consecutive bases within chr5:13,729,460-13,729,466 gives the same sequence; the c. name uses the placement nearest the transcript's 3' end. VCF-style (leftmost placement, unchanged base first): chr5-13729459-ACTGT-A. GRCh37 (hg19) VCF-style: chr5-13729568-ACTGT-A.
Other names: short protein forms R3953fs.
Identifiers: ClinVar variation 5014404 (VCV005014404.1).
Genomic context (GRCh38, chr5:13,729,459, plus strand): 5'-CAACATGACATCAGCTTAAGTTGATTCAAAGCACAGTTACCTGGTCAAGGACATCTGAAA[ACTGT>A]CTGAGTTTGCTAAGTTCCACCAAATTCAGCCATGTTATGTCCAGGATCCATTTTGATGGT-3'

ClinVar aggregate classification (germline): Pathogenic (1 of 4 stars; one submission).

Conditions:
Primary ciliary dyskinesia 3. Identifiers: Orphanet 244, MedGen C1837618, MONDO:0012085, OMIM 608644.

Submission:

Myriad Genetics, Inc.
Classification: Pathogenic for Primary ciliary dyskinesia 3. Last evaluated: 2025-05-08. Review status: criteria provided, single submitter. Criteria: Myriad Autosomal Dominant, Autosomal Recessive and X-Linked Classification Criteria (2023). Collection method: clinical testing. Allele origin: unknown.
Comment: NM_001369.2(DNAH5):c.11859_11862delACAG(R3953Sfs*77) is expected to be pathogenic in the context of primary ciliary dyskinesia, DNAH5-related. This variant is predicted to lead to an abnormal or absent protein product due to the creation of a premature termination codon in DNAH5, a gene where loss-of-function variants are known to be pathogenic. Please note: this variant was assessed in the context of healthy population screening.